The following is an entry in ClinVar:

NM_004036.5(ADCY3):c.3116T>C (p.Met1039Thr)

Genes: ADCY3 (adenylate cyclase 3; minus strand), CENPO (centromere protein O; plus strand). Cytogenetic location: 2p23.3.
Variant type: single nucleotide variant.
Coding change: c.3116T>C on transcript NM_004036.5 (MANE Select); coding-DNA position 3116, T replaced by C.
Protein change: p.Met1039Thr; replaces methionine 1039 with threonine.
Molecular consequence: missense variant. On other transcripts: 3 prime UTR variant (3), non-coding transcript variant (3).
Genome position (GRCh38, 1-based): chr2:24,821,528, A>G on the plus strand (T>C on the coding strand, the complement: ADCY3 is on the minus strand). VCF-style: chr2-24821528-A-G. GRCh37 (hg19) VCF-style: chr2-25044397-A-G.
Other names: c.3119T>C, p.Met1040Thr (NM_001320613.2); c.3182T>C, p.Met1061Thr (NM_001377128.1); c.2978T>C, p.Met993Thr (NM_001377129.1); c.2564T>C, p.Met855Thr (NM_001377130.1); c.2393T>C, p.Met798Thr (NM_001377131.1); c.3116T>C, p.Met1039Thr (NM_001377132.1); c.*2210A>G (NM_001199803.3, NM_001322101.2, NM_024322.4); short protein forms M1040T, M855T, M1039T, M1061T, M798T, M993T.
Identifiers: ClinVar variation 4993664 (VCV004993664.1).

ClinVar aggregate classification (germline): Uncertain significance (1 of 4 stars; one submission).

Conditions:
ADCY3-related disorder. Also called: ADCY3-related condition.

Submission:

PreventionGenetics, part of Exact Sciences
Classification: Uncertain significance for ADCY3-related condition. Last evaluated: 2026-09-02. Review status: criteria provided, single submitter. Criteria: ACMG Guidelines, 2015. Collection method: clinical testing. Allele origin: germline.
Comment: The ADCY3 c.3119T>C variant is predicted to result in the amino acid substitution p.Met1040Thr. To our knowledge, this variant has not been reported in the literature or in a large population database (gnomAD), indicating this variant is rare. At this time, the clinical significance of this variant is uncertain due to the absence of conclusive functional and genetic evidence.